The following is an entry in ClinVar:

ClinVar aggregate classification (germline): Uncertain significance. Review status: criteria provided, multiple submitters, no conflicts (2 of 4 stars). 2 submissions from 2 submitters: Uncertain significance (2). Last evaluated 2023-07-10.

Conditions:
Autosomal dominant nonsyndromic hearing loss 4A. Also called: Deafness, autosomal dominant 4A. Identifiers: Orphanet 90635, MedGen C1833503, MONDO:0010915, OMIM 600652.

Allele frequency attached by ClinVar (database versions not stated): gnomAD 0.00001; ExAC 0.00002; gnomAD exomes 0.00001; TOPMed 0.00002.
gnomAD v4.1: 11 of 1,587,108 alleles (0.00069%); highest among the groups gnomAD compares: African/African-American, 0.0027%; no homozygotes.

Submissions (2):

Labcorp Genetics (formerly Invitae), Labcorp
Classification: Uncertain significance. Last evaluated: 2023-07-10. Review status: criteria provided, single submitter. Criteria: Invitae Variant Classification Sherloc (09022015). Collection method: clinical testing. Allele origin: germline.
Comment: In summary, the available evidence is currently insufficient to determine the role of this variant in disease. Therefore, it has been classified as a Variant of Uncertain Significance. Advanced modeling of protein sequence and biophysical properties (such as structural, functional, and spatial information, amino acid conservation, physicochemical variation, residue mobility, and thermodynamic stability) performed at Invitae indicates that this missense variant is not expected to disrupt MYH14 protein function. This variant is also known as c.3610G>A p.E1204K . This missense change has been observed in individual(s) with autosomal dominant deafness (PMID: 34681017). The frequency data for this variant in the population databases is considered unreliable, as metrics indicate poor data quality at this position in the gnomAD database. This sequence change replaces glutamic acid, which is acidic and polar, with lysine, which is basic and polar, at codon 1163 of the MYH14 protein (p.Glu1163Lys).

Precision Medicine Center, Zhengzhou University
Classification: Uncertain significance for Autosomal dominant nonsyndromic hearing loss 4A. Last evaluated: 2006-06-30. Review status: criteria provided, single submitter. Criteria: ClinGen HL ACMG Specifications v1. Collection method: clinical testing. Allele origin: maternal. Affected: yes.
Comment: PM2+PS4_supporting+PP3+PP1:The MYH14 c.3610G>A variant is absent or extremely rare in population databases (PM2). It has been identified in multiple unrelated individuals with MYH14-related hearing loss (PMID: 34681017) (PS4_supporting). Multiple computational prediction tools support a deleterious effect on protein function (PP3), Segregation in two affected relatives for dominant inheritance (PP1). According to the ACMG/AMP guidelines, this variant is classified as Variant of Uncertain Significance (VUS).

Literature cited by the submitters: PubMed 34681017 (cited by Labcorp Genetics (formerly Invitae), Labcorp and Precision Medicine Center, Zhengzhou University).

NM_001145809.2(MYH14):c.3610G>A (p.Glu1204Lys)

Gene: MYH14 (myosin heavy chain 14; plus strand). Cytogenetic location: 19q13.33.
Variant type: single nucleotide variant.
Coding change: c.3610G>A on transcript NM_001145809.2 (MANE Select); coding-DNA position 3610, G replaced by A.
Protein change: p.Glu1204Lys; replaces glutamic acid 1204 with lysine.
Molecular consequence: missense variant.
Genome position (GRCh38, 1-based): chr19:50,276,133, G>A. VCF-style: chr19-50276133-G-A. GRCh37 (hg19) VCF-style: chr19-50779390-G-A.
Other names: c.3511G>A, p.Glu1171Lys (NM_001077186.2); c.3487G>A, p.Glu1163Lys (NM_024729.4); short protein forms E1171K, E1204K, E1163K.
Identifiers: ClinVar variation 2909447 (VCV002909447.4), dbSNP rs750462020, ClinGen allele CA9593268.
Genomic context (GRCh38, chr19:50,276,133, plus strand): 5'-GACCTGGAGTCTGAGCGTGTGGCCAGGACCAAGGCGGAGAAGCAGCGCCGGGACCTGGGC[G>A]AGGAGCTGGAGGCGCTGCGGGGCGAGCTGGAGGACACGCTGGACTCCACCAACGCACAGC-3'
Protein context (NP_001139281.1, residues 1194-1214): KAEKQRRDLG[Glu1204Lys]ELEALRGELE